The following is an entry in ClinVar:

ClinVar aggregate classification (germline): Likely benign. Review status: criteria provided, multiple submitters, no conflicts (2 of 4 stars). 5 submissions from 5 submitters: Likely benign (3). 2 of the submissions do not count toward it. Last evaluated 2025-03-17.

Conditions:
CDH23-related disorder. Also called: CDH23-related condition; CDH23-related disorders.
Usher syndrome type 1 (USH1). Also called: RETINITIS PIGMENTOSA AND CONGENITAL DEAFNESS. Identifiers: Orphanet 231169, Orphanet 886, MedGen C1568247, MONDO:0010168, OMIM 276900.

Allele frequency attached by ClinVar (database versions not stated): gnomAD exomes 0.00002 and 0.00009; gnomAD 0.00004 and 0.00005; TOPMed 0.00005; ExAC 0.00007.
gnomAD v4.1: 43 of 1,613,970 alleles (0.0027%); highest among the groups gnomAD compares: East Asian, 0.051%; no homozygotes.

Submissions (5):

Labcorp Genetics (formerly Invitae), Labcorp
Classification: Likely benign. Last evaluated: 2025-03-17. Review status: criteria provided, single submitter. Criteria: Invitae Variant Classification Sherloc (09022015). Collection method: clinical testing. Allele origin: germline.

GeneDx
Classification: Likely benign. Last evaluated: 2018-12-17. Review status: criteria provided, single submitter. Criteria: GeneDx Variant Classification Process June 2021. Collection method: clinical testing. Allele origin: germline. Affected: yes.

Breakthrough Genomics
Classification: Likely benign. Review status: criteria provided, single submitter. Criteria: ACMG Guidelines, 2015. Collection method: not provided. Allele origin: germline. Inheritance: Autosomal recessive inheritance. Affected: yes.

PreventionGenetics, part of Exact Sciences
Classification: Likely benign for CDH23-related condition. Last evaluated: 2020-12-15. Review status: no assertion criteria provided. Collection method: clinical testing. Allele origin: germline. Not counted in ClinVar's aggregate classification.
Comment: This variant is classified as likely benign based on ACMG/AMP sequence variant interpretation guidelines (Richards et al. 2015 PMID: 25741868, with internal and published modifications).

Natera, Inc.
Classification: Likely benign for Usher syndrome type 1. Last evaluated: 2020-03-22. Review status: no assertion criteria provided. Collection method: clinical testing. Allele origin: germline. Not counted in ClinVar's aggregate classification.

NM_022124.6(CDH23):c.4230C>T (p.Asp1410=)

Gene: CDH23 (cadherin related 23; plus strand). Cytogenetic location: 10q22.1.
Variant type: single nucleotide variant.
Coding change: c.4230C>T on transcript NM_022124.6 (MANE Select); coding-DNA position 4230, C replaced by T.
Protein change: p.Asp1410=; no amino-acid change (aspartic acid 1410 retained).
Molecular consequence: synonymous variant.
Genome position (GRCh38, 1-based): chr10:71,738,518, C>T. VCF-style: chr10-71738518-C-T. GRCh37 (hg19) VCF-style: chr10-73498275-C-T.
Identifiers: ClinVar variation 796431 (VCV000796431.16), dbSNP rs762720558, ClinGen allele CA5544989.